The following is an entry in ClinVar:

ClinVar aggregate classification (germline): Uncertain significance (1 of 4 stars; one submission).

Submission:

Labcorp Genetics (formerly Invitae), Labcorp
Classification: Uncertain significance. Last evaluated: 2023-06-03. Review status: criteria provided, single submitter. Criteria: Invitae Variant Classification Sherloc (09022015). Collection method: clinical testing. Allele origin: germline.
Comment: In summary, the available evidence is currently insufficient to determine the role of this variant in disease. Therefore, it has been classified as a Variant of Uncertain Significance. An algorithm developed to predict the effect of missense changes on protein structure and function (PolyPhen-2) suggests that this variant is likely to be disruptive. ClinVar contains an entry for this variant (Variation ID: 1446039). This variant has not been reported in the literature in individuals affected with CAMTA1-related conditions. This variant is not present in population databases (gnomAD no frequency). This sequence change replaces methionine, which is neutral and non-polar, with isoleucine, which is neutral and non-polar, at codon 1437 of the CAMTA1 protein (p.Met1437Ile).

NM_015215.4(CAMTA1):c.4311G>A (p.Met1437Ile)

Gene: CAMTA1 (calmodulin binding transcription activator 1; plus strand). Cytogenetic location: 1p36.23.
Variant type: single nucleotide variant.
Coding change: c.4311G>A on transcript NM_015215.4 (MANE Select); coding-DNA position 4311, G replaced by A.
Protein change: p.Met1437Ile; replaces methionine 1437 with isoleucine.
Molecular consequence: missense variant.
Genome position (GRCh38, 1-based): chr1:7,744,963, G>A. VCF-style: chr1-7744963-G-A. GRCh37 (hg19) VCF-style: chr1-7805023-G-A.
Other names: c.4221G>A, p.Met1407Ile (NM_001349608.2); c.3972G>A, p.Met1324Ile (NM_001349609.2, NM_001349610.2); c.3882G>A, p.Met1294Ile (NM_001349612.2); c.1440G>A, p.Met480Ile (NM_001349613.1); c.1383G>A, p.Met461Ile (NM_001349614.1, NM_001349615.2, NM_001349616.2 and 2 more transcripts); c.1044G>A, p.Met348Ile (NM_001349619.2, NM_001349620.1, NM_001349621.1 and 5 more transcripts); short protein forms M1407I, M348I, M480I, M1294I, M1324I, M1437I, M461I.
Identifiers: ClinVar variation 1446039 (VCV001446039.8), dbSNP rs2150095770, ClinGen allele CA338139940.